The following is an entry in ClinVar:

NM_020822.3(KCNT1):c.1036-15G>A

Gene: KCNT1 (potassium sodium-activated channel subfamily T member 1; plus strand). Cytogenetic location: 9q34.3.
Variant type: single nucleotide variant.
Coding change: c.1036-15G>A on transcript NM_020822.3 (MANE Select); 15 bases into the intron before coding-DNA position 1036, G replaced by A.
Molecular consequence: intron variant.
Genome position (GRCh38, 1-based): chr9:135,765,016, G>A. VCF-style: chr9-135765016-G-A. GRCh37 (hg19) VCF-style: chr9-138656862-G-A.
Other names: c.901-15G>A (NM_001272003.2).
Identifiers: ClinVar variation 261360 (VCV000261360.13), dbSNP rs112341167, ClinGen allele CA5326753.

ClinVar aggregate classification (germline): Benign/Likely benign. Review status: criteria provided, multiple submitters, no conflicts (2 of 4 stars). 7 submissions from 6 submitters: Benign (6); Likely benign (1). Last evaluated 2026-02-03.

Conditions:
Autosomal dominant nocturnal frontal lobe epilepsy 5. Also called: Epilepsy, nocturnal frontal lobe, 5; CILIARY DYSKINESIA, PRIMARY, 28, WITHOUT SITUS INVERSUS; CILIARY DYSKINESIA, PRIMARY, 28, WITH SITUS INVERSUS; KCNT1-Related Epilepsy. Identifiers: Orphanet 98784, MedGen C3554306, MONDO:0014002, OMIM 615005.
Developmental and epileptic encephalopathy, 14 (DEE14). Also called: Early infantile epileptic encephalopathy 14. Identifiers: Orphanet 293181, MedGen C3554195, MONDO:0013989, OMIM 614959.

Allele frequency attached by ClinVar (database versions not stated): gnomAD exomes 0.01894 and 0.01921; 1000 Genomes Project 0.02236; ExAC 0.02262; 1000 Genomes Project 30x 0.02389; gnomAD 0.02498 and 0.02567; ESP Exome Variant Server 0.02647; TOPMed 0.02788.
gnomAD v4.1: 31,977 of 1,599,926 alleles (2%); highest among the groups gnomAD compares: Middle Eastern, 7.2%; 445 homozygotes.

Submissions (7):

Labcorp Genetics (formerly Invitae), Labcorp
Classification: Benign for Autosomal dominant nocturnal frontal lobe epilepsy 5; Developmental and epileptic encephalopathy, 14. Last evaluated: 2026-02-03. Review status: criteria provided, single submitter. Criteria: Invitae Variant Classification Sherloc (09022015). Collection method: clinical testing. Allele origin: germline.

Blueprint Genetics
Classification: Likely benign. Last evaluated: 2024-11-26. Review status: criteria provided, single submitter. Criteria: ACMG Guidelines, 2015. Collection method: clinical testing. Allele origin: germline.

Genome-Nilou Lab
Classification: Benign for Developmental and epileptic encephalopathy, 14. Last evaluated: 2022-03-15. Review status: criteria provided, single submitter. Criteria: ACMG Guidelines, 2015. Collection method: clinical testing. Allele origin: germline. Affected: no.

Genome-Nilou Lab
Classification: Benign for Autosomal dominant nocturnal frontal lobe epilepsy 5. Last evaluated: 2022-03-15. Review status: criteria provided, single submitter. Criteria: ACMG Guidelines, 2015. Collection method: clinical testing. Allele origin: germline. Affected: no.

GeneDx
Classification: Benign. Last evaluated: 2016-01-13. Review status: criteria provided, single submitter. Criteria: GeneDx Variant Classification (06012015). Collection method: clinical testing. Allele origin: germline. Affected: yes.
Comment: This variant is considered likely benign or benign based on one or more of the following criteria: it is a conservative change, it occurs at a poorly conserved position in the protein, it is predicted to be benign by multiple in silico algorithms, and/or has population frequency not consistent with disease.

Breakthrough Genomics
Classification: Benign. Review status: criteria provided, single submitter. Criteria: ACMG Guidelines, 2015. Collection method: not provided. Allele origin: germline. Inheritance: Autosomal dominant inheritance. Affected: yes.

PreventionGenetics, part of Exact Sciences
Classification: Benign. Review status: criteria provided, single submitter. Criteria: ACMG Guidelines, 2015. Collection method: clinical testing. Allele origin: germline.